The following is an entry in ClinVar:

ClinVar aggregate classification (germline): Conflicting classifications of pathogenicity. Review status: criteria provided, conflicting classifications (1 of 4 stars). 3 submissions from 3 submitters: Uncertain significance (2); Likely benign (1). Last evaluated 2024-02-03.

gnomAD v4.1: 4 of 1,609,118 alleles (0.00025%); highest among the groups gnomAD compares: African/African-American, 0.0053%; no homozygotes.

Submissions (3):

Labcorp Genetics (formerly Invitae), Labcorp
Classification: Likely benign. Last evaluated: 2024-02-03. Review status: criteria provided, single submitter. Criteria: Invitae Variant Classification Sherloc (09022015). Collection method: clinical testing. Allele origin: germline.

GeneDx
Classification: Uncertain significance. Last evaluated: 2022-09-28. Review status: criteria provided, single submitter. Criteria: GeneDx Variant Classification Process June 2021. Collection method: clinical testing. Allele origin: germline. Affected: yes.
Comment: Not observed at significant frequency in large population cohorts (gnomAD); In silico analysis supports that this missense variant has a deleterious effect on protein structure/function; Has not been previously published as pathogenic or benign to our knowledge

Blueprint Genetics
Classification: Uncertain significance. Last evaluated: 2022-06-20. Review status: criteria provided, single submitter. Criteria: ACMG Guidelines, 2015. Collection method: clinical testing. Allele origin: germline.

NM_032119.4(ADGRV1):c.13130C>T (p.Pro4377Leu)

Gene: ADGRV1 (adhesion G protein-coupled receptor V1; plus strand). Cytogenetic location: 5q14.3.
Variant type: single nucleotide variant.
Coding change: c.13130C>T on transcript NM_032119.4 (MANE Select); coding-DNA position 13130, C replaced by T.
Protein change: p.Pro4377Leu; replaces proline 4377 with leucine.
Molecular consequence: missense variant. On other transcripts: non-coding transcript variant (1).
Genome position (GRCh38, 1-based): chr5:90,781,477, C>T. VCF-style: chr5-90781477-C-T. GRCh37 (hg19) VCF-style: chr5-90077294-C-T.
Other names: short protein forms P4377L.
Identifiers: ClinVar variation 2446596 (VCV002446596.4), dbSNP rs542081391, ClinGen allele CA360391793.